The following is an entry in ClinVar:

NM_017780.4(CHD7):c.6348C>G (p.Ile2116Met)

Gene: CHD7 (chromodomain helicase DNA binding protein 7; plus strand). Cytogenetic location: 8q12.2.
Variant type: single nucleotide variant.
Coding change: c.6348C>G on transcript NM_017780.4 (MANE Select); coding-DNA position 6348, C replaced by G.
Protein change: p.Ile2116Met; replaces isoleucine 2116 with methionine.
Molecular consequence: missense variant. On other transcripts: intron variant (1).
Genome position (GRCh38, 1-based): chr8:60,853,073, C>G. VCF-style: chr8-60853073-C-G. GRCh37 (hg19) VCF-style: chr8-61765632-C-G.
Other names: c.1717-9156C>G (NM_001316690.1); short protein forms I2116M.
Identifiers: ClinVar variation 2721108 (VCV002721108.3), dbSNP rs1322989002, ClinGen allele CA371324863.

ClinVar aggregate classification (germline): Uncertain significance (1 of 4 stars; one submission).

Conditions:
CHARGE syndrome (CHARGE). Also called: Hittner Hirsch Kreh syndrome; CHARGE ASSOCIATION--COLOBOMA, HEART ANOMALY, CHOANAL ATRESIA, RETARDATION, GENITAL AND EAR ANOMALIES; Coloboma, heart anomaly, choanal atresia, retardation, genital and ear anomalies; CHARGE association; Hall-Hittner syndrome. Identifiers: Orphanet 138, MedGen C0265354, MONDO:0008965.

gnomAD v4.1: 3 of 1,613,958 alleles (0.00019%); highest among the groups gnomAD compares: Non-Finnish European, 0.00025%; no homozygotes.

Submission:

Labcorp Genetics (formerly Invitae), Labcorp
Classification: Uncertain significance for CHARGE syndrome. Last evaluated: 2023-08-04. Review status: criteria provided, single submitter. Criteria: Invitae Variant Classification Sherloc (09022015). Collection method: clinical testing. Allele origin: germline.
Comment: Advanced modeling of protein sequence and biophysical properties (such as structural, functional, and spatial information, amino acid conservation, physicochemical variation, residue mobility, and thermodynamic stability) performed at Invitae indicates that this missense variant is not expected to disrupt CHD7 protein function. This variant has not been reported in the literature in individuals affected with CHD7-related conditions. This variant is not present in population databases (gnomAD no frequency). This sequence change replaces isoleucine, which is neutral and non-polar, with methionine, which is neutral and non-polar, at codon 2116 of the CHD7 protein (p.Ile2116Met). In summary, the available evidence is currently insufficient to determine the role of this variant in disease. Therefore, it has been classified as a Variant of Uncertain Significance.